The following is an entry in ClinVar:

NM_001291303.3(FAT4):c.14468G>A (p.Arg4823Lys)

Gene: FAT4 (FAT atypical cadherin 4; plus strand). Cytogenetic location: 4q28.1.
Variant type: single nucleotide variant.
Coding change: c.14468G>A on transcript NM_001291303.3 (MANE Select); coding-DNA position 14468, G replaced by A.
Protein change: p.Arg4823Lys; replaces arginine 4823 with lysine.
Molecular consequence: missense variant.
Genome position (GRCh38, 1-based): chr4:125,491,284, G>A. VCF-style: chr4-125491284-G-A. GRCh37 (hg19) VCF-style: chr4-126412439-G-A.
Other names: c.14465G>A, p.Arg4822Lys (NM_001291285.3); c.14462G>A, p.Arg4821Lys (NM_024582.6); short protein forms R4821K, R4822K, R4823K.
Identifiers: ClinVar variation 3237388 (VCV003237388.1), dbSNP rs768540931.

ClinVar aggregate classification (germline): Uncertain significance (1 of 4 stars; one submission).

Conditions:
Hennekam lymphangiectasia-lymphedema syndrome 2 (HKLLS2). Identifiers: Orphanet 2136, MedGen C4014939, MONDO:0014454, OMIM 616006.

Allele frequency attached by ClinVar (database versions not stated): gnomAD exomes below 0.00001; ExAC 0.00001; gnomAD 0.00001; TOPMed 0.00002.
gnomAD v4.1: 4 of 1,614,006 alleles (0.00025%); highest among the groups gnomAD compares: Non-Finnish European, 0.00034%; no homozygotes.

Submission:

Clinical Genomics Laboratory, Washington University in St. Louis
Classification: Uncertain significance for Hennekam lymphangiectasia-lymphedema syndrome 2. Last evaluated: 2024-01-08. Review status: criteria provided, single submitter. Criteria: ACMG Guidelines, 2015. Collection method: clinical testing. Allele origin: germline.
Comment: The FAT4 c.14468G>A (p.Arg4823Lys) variant was identified at a near-heterozygous allelic fraction of 48%, a frequency consistent with it being of germline origin. To our knowledge, this variant has not been reported in the medical literature and is only observed on 4/780,896 alleles in the general population (gnomAD v.4.0.0), indicating it is not a common variant. Computational predictors are uncertain as to the impact of this variant on FAT4 function. Due to limited information, and based on ACMG/AMP guidelines for variant interpretation (Richards S et al., PMID: 25741868), the clinical significance of this variant is uncertain at this time.